The following is an entry in ClinVar:

NM_005207.4(CRKL):c.846C>T (p.Arg282=)

Gene: CRKL (CRK like proto-oncogene, adaptor protein; plus strand). Cytogenetic location: 22q11.21.
Variant type: single nucleotide variant.
Coding change: c.846C>T on transcript NM_005207.4 (MANE Select); coding-DNA position 846, C replaced by T.
Protein change: p.Arg282=; no amino-acid change (arginine 282 retained).
Molecular consequence: synonymous variant. On other transcripts: non-coding transcript variant (1).
Genome position (GRCh38, 1-based): chr22:20,949,779, C>T. VCF-style: chr22-20949779-C-T. GRCh37 (hg19) VCF-style: chr22-21304067-C-T.
Identifiers: ClinVar variation 5041098 (VCV005041098.1).

ClinVar aggregate classification (germline): Likely benign (1 of 4 stars; one submission).

Submission:

CeGaT Center for Human Genetics Tuebingen
Classification: Likely benign. Last evaluated: 2026-09-01. Review status: criteria provided, single submitter. Criteria: CeGaT Center For Human Genetics Tuebingen Variant Classification Criteria Version 2. Collection method: clinical testing. Allele origin: germline. Affected: yes. Observed: 1 variant allele.
Comment: CRKL: PM2:Supporting, BP4, BP7